The following is an entry in ClinVar:

NM_001099271.2(POC5):c.188G>C (p.Arg63Thr)

Gene: POC5 (POC5 centriolar protein; minus strand). Cytogenetic location: 5q13.3.
Variant type: single nucleotide variant.
Coding change: c.188G>C on transcript NM_001099271.2 (MANE Select); coding-DNA position 188, G replaced by C.
Protein change: p.Arg63Thr; replaces arginine 63 with threonine.
Molecular consequence: missense variant.
Genome position (GRCh38, 1-based): chr5:75,707,772, C>G on the plus strand (G>C on the coding strand, the complement: POC5 is on the minus strand). VCF-style: chr5-75707772-C-G. GRCh37 (hg19) VCF-style: chr5-75003597-C-G.
Other names: c.113G>C, p.Arg38Thr (NM_152408.3); short protein forms R38T, R63T.
Identifiers: ClinVar variation 3633527 (VCV003633527.2).

ClinVar aggregate classification (germline): Uncertain significance (1 of 4 stars; one submission).

gnomAD v4.1: 57 of 1,561,620 alleles (0.0037%); highest among the groups gnomAD compares: Non-Finnish European, 0.0049%; no homozygotes.

Submission:

Labcorp Genetics (formerly Invitae), Labcorp
Classification: Uncertain significance. Last evaluated: 2025-12-15. Review status: criteria provided, single submitter. Criteria: Invitae Variant Classification Sherloc (09022015). Collection method: clinical testing. Allele origin: germline.
Comment: This sequence change replaces arginine, which is basic and polar, with threonine, which is neutral and polar, at codon 63 of the POC5 protein (p.Arg63Thr). This variant is present in population databases (rs369986527, gnomAD 0.007%). This variant has not been reported in the literature in individuals affected with POC5-related conditions. ClinVar contains an entry for this variant (Variation ID: 3633527). An algorithm developed to predict the effect of missense changes on protein structure and function (PolyPhen-2) suggests that this variant is likely to be disruptive. In summary, the available evidence is currently insufficient to determine the role of this variant in disease. Therefore, it has been classified as a Variant of Uncertain Significance.